The following is an entry in ClinVar:

ClinVar aggregate classification (germline): Uncertain significance (1 of 4 stars; one submission).

Conditions:
Glycogen storage disease IV, classic hepatic. Also called: GSD IV, CLASSIC HEPATIC. Identifiers: MedGen C1856301.
Glycogen storage disease, type IV (GSD4). Also called: AMYLOPECTINOSIS; ANDERSEN DISEASE; BRANCHER DEFICIENCY; CIRRHOSIS, FAMILIAL, WITH DEPOSITION OF ABNORMAL GLYCOGEN; Glycogen storage disease due to glycogen branching enzyme deficiency; GBE1 DEFICIENCY. Identifiers: Orphanet 367, MedGen C0017923, MONDO:0009292, OMIM 232500.

Allele frequency attached by ClinVar (database versions not stated): ExAC 0.00001; gnomAD exomes 0.00001 and 0.00002.
gnomAD v4.1: 5 of 1,611,702 alleles (0.00031%); highest among the groups gnomAD compares: Admixed American, 0.0084%; no homozygotes.

Submission:

Labcorp Genetics (formerly Invitae), Labcorp
Classification: Uncertain significance for Glycogen storage disease, type IV; Glycogen storage disease IV, classic hepatic. Last evaluated: 2022-08-23. Review status: criteria provided, single submitter. Criteria: Invitae Variant Classification Sherloc (09022015). Collection method: clinical testing. Allele origin: germline.
Comment: In summary, the available evidence is currently insufficient to determine the role of this variant in disease. Therefore, it has been classified as a Variant of Uncertain Significance. Advanced modeling of protein sequence and biophysical properties (such as structural, functional, and spatial information, amino acid conservation, physicochemical variation, residue mobility, and thermodynamic stability) performed at Invitae indicates that this missense variant is not expected to disrupt GBE1 protein function. ClinVar contains an entry for this variant (Variation ID: 1435304). This variant has not been reported in the literature in individuals affected with GBE1-related conditions. This variant is present in population databases (rs758683393, gnomAD 0.02%). This sequence change replaces serine, which is neutral and polar, with glycine, which is neutral and non-polar, at codon 630 of the GBE1 protein (p.Ser630Gly).

NM_000158.4(GBE1):c.1888A>G (p.Ser630Gly)

Gene: GBE1 (1,4-alpha-glucan branching enzyme 1; minus strand). Cytogenetic location: 3p12.2.
Variant type: single nucleotide variant.
Coding change: c.1888A>G on transcript NM_000158.4 (MANE Select); coding-DNA position 1888, A replaced by G.
Protein change: p.Ser630Gly; replaces serine 630 with glycine.
Molecular consequence: missense variant.
Genome position (GRCh38, 1-based): chr3:81,535,241, T>C on the plus strand (A>G on the coding strand, the complement: GBE1 is on the minus strand). VCF-style: chr3-81535241-T-C. GRCh37 (hg19) VCF-style: chr3-81584392-T-C.
Other names: short protein forms S630G.
Identifiers: ClinVar variation 1435304 (VCV001435304.6), dbSNP rs758683393, ClinGen allele CA2499533.